The following is an entry in ClinVar:

NM_014633.5(CTR9):c.1194+3A>G

Genes: CTR9 (CTR9 component of Paf1/RNA polymerase II complex; plus strand), LOC126861140 (CDK7 strongly-dependent group 2 enhancer GRCh37_chr11:10785333-10786532; plus strand). Cytogenetic location: 11p15.4.
Variant type: single nucleotide variant.
Coding change: c.1194+3A>G on transcript NM_014633.5 (MANE Select); 3 bases into the intron after coding-DNA position 1194, A replaced by G.
Molecular consequence: intron variant.
Genome position (GRCh38, 1-based): chr11:10,763,882, A>G. VCF-style: chr11-10763882-A-G. GRCh37 (hg19) VCF-style: chr11-10785429-A-G.
Other names: c.1194+3A>G (NM_001346279.2).
Identifiers: ClinVar variation 1523355 (VCV001523355.6), dbSNP rs1165841402, ClinGen allele CA597901851.

ClinVar aggregate classification (germline): Uncertain significance (1 of 4 stars; one submission).

Allele frequency attached by ClinVar (database versions not stated): gnomAD exomes below 0.00001.
gnomAD v4.1: 1 of 1,589,304 alleles (0.000063%); highest among the groups gnomAD compares: Middle Eastern, 0.017%; no homozygotes.

Submission:

Labcorp Genetics (formerly Invitae), Labcorp
Classification: Uncertain significance. Last evaluated: 2020-10-28. Review status: criteria provided, single submitter. Criteria: Invitae Variant Classification Sherloc (09022015). Collection method: clinical testing. Allele origin: germline.
Comment: In summary, the available evidence is currently insufficient to determine the role of this variant in disease. Therefore, it has been classified as a Variant of Uncertain Significance. Nucleotide substitutions within the consensus splice site are a relatively common cause of aberrant splicing (PMID: 17576681, 9536098). Algorithms developed to predict the effect of sequence changes on RNA splicing suggest that this variant may disrupt the consensus splice site, but this prediction has not been confirmed by published transcriptional studies. This variant has not been reported in the literature in individuals with CTR9-related conditions. This variant is not present in population databases (ExAC no frequency). This sequence change falls in intron 9 of the CTR9 gene. It does not directly change the encoded amino acid sequence of the CTR9 protein. It affects a nucleotide within the consensus splice site of the intron.

Literature cited by the submitters: PubMed 17576681; PubMed 9536098.